The following is an entry in ClinVar:

NM_032119.4(ADGRV1):c.5469A>G (p.Gly1823=)

Gene: ADGRV1 (adhesion G protein-coupled receptor V1; plus strand). Cytogenetic location: 5q14.3.
Variant type: single nucleotide variant.
Coding change: c.5469A>G on transcript NM_032119.4 (MANE Select); coding-DNA position 5469, A replaced by G.
Protein change: p.Gly1823=; no amino-acid change (glycine 1823 retained).
Molecular consequence: synonymous variant. On other transcripts: non-coding transcript variant (1).
Genome position (GRCh38, 1-based): chr5:90,679,574, A>G. VCF-style: chr5-90679574-A-G. GRCh37 (hg19) VCF-style: chr5-89975391-A-G.
Identifiers: ClinVar variation 929959 (VCV000929959.11), dbSNP rs766924889, ClinGen allele CA3339584.

ClinVar aggregate classification (germline): Likely benign. Review status: criteria provided, multiple submitters, no conflicts (2 of 4 stars). 2 submissions from 2 submitters: Likely benign (2). Last evaluated 2026-01-16.

Allele frequency attached by ClinVar (database versions not stated): ExAC 0.00001; TOPMed 0.00002; gnomAD exomes 0.00001.
gnomAD v4.1: 9 of 1,613,542 alleles (0.00056%); highest among the groups gnomAD compares: Non-Finnish European, 0.00076%; no homozygotes.

Submissions (2):

Labcorp Genetics (formerly Invitae), Labcorp
Classification: Likely benign. Last evaluated: 2026-01-16. Review status: criteria provided, single submitter. Criteria: Invitae Variant Classification Sherloc (09022015). Collection method: clinical testing. Allele origin: germline.

Laboratory for Molecular Medicine, Mass General Brigham Personalized Medicine
Classification: Likely benign. Last evaluated: 2017-08-23. Review status: criteria provided, single submitter. Criteria: LMM Criteria. Collection method: clinical testing. Allele origin: germline. Observed: 1 variant allele.
Comment: p.Gly1823Gly in exon 26 of GPR98: This variant is not expected to have clinical significance because it does not alter an amino acid residue and is not located within the splice consensus sequence. It has been identified in 1/66284 European chromosomes by the Exome Aggregation Consortium (ExAC; dbSNP rs766924889).